The following is an entry in ClinVar:

ClinVar aggregate classification (germline): Uncertain significance (1 of 4 stars; one submission).

Submission:

Women's Health and Genetics/Laboratory Corporation of America, LabCorp
Classification: Uncertain significance. Last evaluated: 2024-06-11. Review status: criteria provided, single submitter. Criteria: LabCorp Variant Classification Summary - May 2015. Collection method: clinical testing. Allele origin: germline.
Comment: Variant summary: MVK c.683C>T (p.Pro228Leu) results in a non-conservative amino acid change in the encoded protein sequence. Four of five in-silico tools predict a damaging effect of the variant on protein function. The variant was absent in 282870 control chromosomes (gnomAD). The available data on variant occurrences in the general population are insufficient to allow any conclusion about variant significance. c.683C>T has been reported in the literature in individuals affected with clinical features of Hyper-IgD syndrome (example: Gangi_2014, Gattorno_2009). These report(s) do not provide unequivocal conclusions about association of the variant with Hyper-IgD syndrome. To our knowledge, no experimental evidence demonstrating an impact on protein function has been reported. The following publications have been ascertained in the context of this evaluation (PMID: 25438442, 19786432). No submitters have cited clinical-significance assessments for this variant to ClinVar. Based on the evidence outlined above, the variant was classified as uncertain significance.

Literature cited by the submitters: PubMed 19786432; PubMed 25438442.

NM_000431.4(MVK):c.683C>T (p.Pro228Leu)

Gene: MVK (mevalonate kinase; plus strand). Cytogenetic location: 12q24.11.
Variant type: single nucleotide variant.
Coding change: c.683C>T on transcript NM_000431.4 (MANE Select); coding-DNA position 683, C replaced by T.
Protein change: p.Pro228Leu; replaces proline 228 with leucine.
Molecular consequence: missense variant. On other transcripts: non-coding transcript variant (3).
Genome position (GRCh38, 1-based): chr12:109,590,776, C>T. VCF-style: chr12-109590776-C-T. GRCh37 (hg19) VCF-style: chr12-110028581-C-T.
Other names: c.683C>T, p.Pro228Leu (NM_001114185.3, NM_001414511.1, NM_001414513.1); c.527C>T, p.Pro176Leu (NM_001301182.2, NM_001414514.1); c.758C>T, p.Pro253Leu (NM_001414512.1); c.101C>T, p.Pro34Leu (NM_001414515.1); short protein forms P176L, P228L, P253L, P34L.
Identifiers: ClinVar variation 3339599 (VCV003339599.1).
Genomic context (GRCh38, chr12:109,590,776, plus strand): 5'-TCCCAGCTCCTCCATCTTGAGTTCAGTGTGGACCTGCCTCCTCTTCACCCTGCAGGTCGC[C>T]AGCTCTCCAGATCCTGCTGACCAACACCAAAGTCCCTCGCAATACCAGGGCCCTTGTGGC-3'
Protein context (NP_000422.1, residues 218-238): QGKISSLKRS[Pro228Leu]ALQILLTNTK